The following is an entry in ClinVar:

ClinVar aggregate classification (germline): Uncertain significance (1 of 4 stars; one submission).

Conditions:
Disseminated atypical mycobacterial infection. Identifiers: MedGen C0694566.

Allele frequency attached by ClinVar (database versions not stated): gnomAD 0.00001 and 0.00002; gnomAD exomes 0.00001; TOPMed 0.00002.
gnomAD v4.1: 11 of 1,611,198 alleles (0.00068%); highest among the groups gnomAD compares: South Asian, 0.0033%; no homozygotes.

Submission:

Labcorp Genetics (formerly Invitae), Labcorp
Classification: Uncertain significance for Disseminated atypical mycobacterial infection. Last evaluated: 2025-10-12. Review status: criteria provided, single submitter. Criteria: Invitae Variant Classification Sherloc (09022015). Collection method: clinical testing. Allele origin: germline.
Comment: This sequence change replaces aspartic acid, which is acidic and polar, with asparagine, which is neutral and polar, at codon 23 of the IFNGR1 protein (p.Asp23Asn). This variant is present in population databases (no rsID available, gnomAD 0.004%). This variant has not been reported in the literature in individuals affected with IFNGR1-related conditions. ClinVar contains an entry for this variant (Variation ID: 1447160). Invitae Evidence Modeling of protein sequence and biophysical properties (such as structural, functional, and spatial information, amino acid conservation, physicochemical variation, residue mobility, and thermodynamic stability) indicates that this missense variant is not expected to disrupt IFNGR1 protein function with a negative predictive value of 80%. In summary, the available evidence is currently insufficient to determine the role of this variant in disease. Therefore, it has been classified as a Variant of Uncertain Significance.

NM_000416.3(IFNGR1):c.67G>A (p.Asp23Asn)

Gene: IFNGR1 (interferon gamma receptor 1; minus strand). Cytogenetic location: 6q23.3.
Variant type: single nucleotide variant.
Coding change: c.67G>A on transcript NM_000416.3 (MANE Select); coding-DNA position 67, G replaced by A.
Protein change: p.Asp23Asn; replaces aspartic acid 23 with asparagine.
Molecular consequence: missense variant.
Genome position (GRCh38, 1-based): chr6:137,219,261, C>T on the plus strand (G>A on the coding strand, the complement: IFNGR1 is on the minus strand). VCF-style: chr6-137219261-C-T. GRCh37 (hg19) VCF-style: chr6-137540398-C-T.
Other names: short protein forms D23N.
Identifiers: ClinVar variation 1447160 (VCV001447160.8), dbSNP rs1331566701, ClinGen allele CA365776414.